The following is an entry in ClinVar:

NM_016292.3(TRAP1):c.713T>C (p.Val238Ala)

Gene: TRAP1 (TNF receptor associated protein 1; minus strand). Cytogenetic location: 16p13.3.
Variant type: single nucleotide variant.
Coding change: c.713T>C on transcript NM_016292.3 (MANE Select); coding-DNA position 713, T replaced by C.
Protein change: p.Val238Ala; replaces valine 238 with alanine.
Molecular consequence: missense variant.
Genome position (GRCh38, 1-based): chr16:3,676,137, A>G on the plus strand (T>C on the coding strand, the complement: TRAP1 is on the minus strand). VCF-style: chr16-3676137-A-G. GRCh37 (hg19) VCF-style: chr16-3726138-A-G.
Other names: c.554T>C, p.Val185Ala (NM_001272049.2); short protein forms V185A, V238A.
Identifiers: ClinVar variation 2884261 (VCV002884261.3), dbSNP rs1262162027, ClinGen allele CA394570355.

ClinVar aggregate classification (germline): Uncertain significance (1 of 4 stars; one submission).

Allele frequency attached by ClinVar (database versions not stated): gnomAD exomes 0.00001.
gnomAD v4.1: 8 of 1,613,096 alleles (0.0005%); highest among the groups gnomAD compares: Admixed American, 0.005%; no homozygotes.

Submission:

Labcorp Genetics (formerly Invitae), Labcorp
Classification: Uncertain significance. Last evaluated: 2023-01-24. Review status: criteria provided, single submitter. Criteria: Invitae Variant Classification Sherloc (09022015). Collection method: clinical testing. Allele origin: germline.
Comment: In summary, the available evidence is currently insufficient to determine the role of this variant in disease. Therefore, it has been classified as a Variant of Uncertain Significance. Advanced modeling of protein sequence and biophysical properties (such as structural, functional, and spatial information, amino acid conservation, physicochemical variation, residue mobility, and thermodynamic stability) performed at Invitae indicates that this missense variant is not expected to disrupt TRAP1 protein function. This variant has not been reported in the literature in individuals affected with TRAP1-related conditions. This variant is present in population databases (no rsID available, gnomAD 0.003%). This sequence change replaces valine, which is neutral and non-polar, with alanine, which is neutral and non-polar, at codon 238 of the TRAP1 protein (p.Val238Ala).